The following is an entry in ClinVar:

ClinVar aggregate classification (germline): Uncertain significance (1 of 4 stars; one submission).

Conditions:
Neurodevelopmental disorder with speech impairment and dysmorphic facies. Identifiers: MedGen C5436699, MONDO:0033630, OMIM 619056.
Epilepsy, early-onset, with or without developmental delay. Identifiers: MedGen C5882670, MONDO:0030005, OMIM 618832.

Submission:

Juno Genomics, Hangzhou Juno Genomics, Inc
Classification: Uncertain significance for Epilepsy, early-onset, with or without developmental delay; Neurodevelopmental disorder with speech impairment and dysmorphic facies. Review status: criteria provided, single submitter. Criteria: ACMG Guidelines, 2015. Collection method: clinical testing. Allele origin: germline.
Comment: Absent from controls (or at extremely low frequency if recessive) in Genome Aggregation Database.

NM_014712.3(SETD1A):c.3848C>G (p.Ser1283Trp)

Gene: SETD1A (SET domain containing 1A, histone lysine methyltransferase; plus strand). Cytogenetic location: 16p11.2.
Variant type: single nucleotide variant.
Coding change: c.3848C>G on transcript NM_014712.3 (MANE Select); coding-DNA position 3848, C replaced by G.
Protein change: p.Ser1283Trp; replaces serine 1283 with tryptophan.
Molecular consequence: missense variant.
Genome position (GRCh38, 1-based): chr16:30,979,634, C>G. VCF-style: chr16-30979634-C-G. GRCh37 (hg19) VCF-style: chr16-30990955-C-G.
Other names: short protein forms S1283W.
Identifiers: ClinVar variation 5005573 (VCV005005573.2).
Genomic context (GRCh38, chr16:30,979,634, plus strand): 5'-CTGCCCGGCGCGGGCTGCCTGCCCTGCCTGCTGTTGAAGACTCAGAGGCCACAGAGACAT[C>G]GGACGAGGCCGAGCGCCCTAGGCCCCTGCTCAGCCACATCCTCCTGGAGCACAACTATGC-3'
Protein context (NP_055527.1, residues 1273-1293): AVEDSEATET[Ser1283Trp]DEAERPRPLL